The following is an entry in ClinVar:

ClinVar aggregate classification (germline): Uncertain significance. Review status: criteria provided, multiple submitters, no conflicts (2 of 4 stars). 2 submissions from 2 submitters: Uncertain significance (2). Last evaluated 2024-03-12.

Conditions:
Cardiofaciocutaneous syndrome 3 (CFC3). Also called: MAP2K1-Related Cardiofaciocutaneous Syndrome. Identifiers: Orphanet 1340, MedGen C3809006, MONDO:0014113, OMIM 615279.
RASopathy. Also called: rasopathies; Noonan spectrum disorder. Identifiers: Orphanet 536391, MedGen C5555857, MONDO:0021060.

Allele frequency attached by ClinVar (database versions not stated): gnomAD exomes 0.00003; gnomAD 0.00001; ExAC 0.00003.
gnomAD v4.1: 24 of 1,613,638 alleles (0.0015%); highest among the groups gnomAD compares: South Asian, 0.022%; no homozygotes.

Submissions (2):

Revvity Omics, Revvity
Classification: Uncertain significance for Cardiofaciocutaneous syndrome 3. Last evaluated: 2024-03-12. Review status: criteria provided, single submitter. Criteria: ACMG Guidelines, 2015. Collection method: clinical testing. Allele origin: germline.

Labcorp Genetics (formerly Invitae), Labcorp
Classification: Uncertain significance for RASopathy. Last evaluated: 2023-08-24. Review status: criteria provided, single submitter. Criteria: Invitae Variant Classification Sherloc (09022015). Collection method: clinical testing. Allele origin: germline.
Comment: Advanced modeling of protein sequence and biophysical properties (such as structural, functional, and spatial information, amino acid conservation, physicochemical variation, residue mobility, and thermodynamic stability) performed at Invitae indicates that this missense variant is not expected to disrupt MAP2K1 protein function. In summary, the available evidence is currently insufficient to determine the role of this variant in disease. Therefore, it has been classified as a Variant of Uncertain Significance. ClinVar contains an entry for this variant (Variation ID: 1432564). This variant has not been reported in the literature in individuals affected with MAP2K1-related conditions. This variant is present in population databases (rs760766158, gnomAD 0.02%). This sequence change replaces asparagine, which is neutral and polar, with serine, which is neutral and polar, at codon 345 of the MAP2K1 protein (p.Asn345Ser).

NM_002755.4(MAP2K1):c.1034A>G (p.Asn345Ser)

Gene: MAP2K1 (mitogen-activated protein kinase kinase 1; plus strand). Cytogenetic location: 15q22.31.
Variant type: single nucleotide variant.
Coding change: c.1034A>G on transcript NM_002755.4 (MANE Select); coding-DNA position 1034, A replaced by G.
Protein change: p.Asn345Ser; replaces asparagine 345 with serine.
Molecular consequence: missense variant.
Genome position (GRCh38, 1-based): chr15:66,489,729, A>G. VCF-style: chr15-66489729-A-G. GRCh37 (hg19) VCF-style: chr15-66782067-A-G.
Other names: c.1034A>G (NM_002755.3); short protein forms N345S.
Identifiers: ClinVar variation 1432564 (VCV001432564.9), dbSNP rs760766158, ClinGen allele CA7624096.
Genomic context (GRCh38, chr15:66,489,729, plus strand): 5'-TAGAACCAGTGCCAGGCAACAGCTCTTACCTTGTCTTTCTTCCTTTAAGCTTAATAAAAA[A>G]CCCCGCAGAGAGAGCAGATTTGAAGCAACTCATGGTGAGTCTATTTATTCCGGATTCTTA-3'
Protein context (NP_002746.1, residues 335-355): QDFVNKCLIK[Asn345Ser]PAERADLKQL